The following is an entry in ClinVar:

NM_000337.6(SGCD):c.586C>A (p.Pro196Thr)

Gene: SGCD (sarcoglycan delta; plus strand). Cytogenetic location: 5q33.3.
Variant type: single nucleotide variant.
Coding change: c.586C>A on transcript NM_000337.6 (MANE Select); coding-DNA position 586, C replaced by A.
Protein change: p.Pro196Thr; replaces proline 196 with threonine.
Molecular consequence: missense variant.
Genome position (GRCh38, 1-based): chr5:156,757,591, C>A. VCF-style: chr5-156757591-C-A. GRCh37 (hg19) VCF-style: chr5-156184602-C-A.
Other names: c.583C>A, p.Pro195Thr (NM_001128209.2); c.586C>A, p.Pro196Thr (NM_172244.3); short protein forms P195T, P196T.
Identifiers: ClinVar variation 1011342 (VCV001011342.7), dbSNP rs1757387093, ClinGen allele CA362008343.

ClinVar aggregate classification (germline): Uncertain significance. Review status: criteria provided, multiple submitters, no conflicts (2 of 4 stars). 5 submissions from 4 submitters: Uncertain significance (5). Last evaluated 2024-06-25.

Conditions:
Autosomal recessive limb-girdle muscular dystrophy type 2F (LGMDR6). Also called: Muscular dystrophy limb-girdle with delta-sarcoglyan deficiency; MUSCULAR DYSTROPHY, LIMB-GIRDLE, AUTOSOMAL RECESSIVE 6. Identifiers: Orphanet 219, MedGen C1832525, MONDO:0011028, OMIM 601287. Disease mechanism: Affects gamma-sarcoglycan and also disrupts the integrity of the entire sarcoglycan complex..
Dilated cardiomyopathy 1L (CMD1L). Identifiers: Orphanet 154, MedGen C1847667, MONDO:0011702, OMIM 606685.

Allele frequency attached by ClinVar (database versions not stated): gnomAD exomes below 0.00001.
gnomAD v4.1: 1 of 1,606,600 alleles (0.000062%); highest among the groups gnomAD compares: East Asian, 0.0022%; no homozygotes.

Submissions (5):

Revvity Omics, Revvity
Classification: Uncertain significance. Last evaluated: 2024-06-25. Review status: criteria provided, single submitter. Criteria: ACMG Guidelines, 2015. Collection method: clinical testing. Allele origin: germline.

Genome-Nilou Lab
Classification: Uncertain significance for Autosomal recessive limb-girdle muscular dystrophy type 2F. Last evaluated: 2023-02-08. Review status: criteria provided, single submitter. Criteria: ACMG Guidelines, 2015. Collection method: clinical testing. Allele origin: germline.

Genome-Nilou Lab
Classification: Uncertain significance for Dilated cardiomyopathy 1L. Last evaluated: 2023-02-08. Review status: criteria provided, single submitter. Criteria: ACMG Guidelines, 2015. Collection method: clinical testing. Allele origin: germline.

Labcorp Genetics (formerly Invitae), Labcorp
Classification: Uncertain significance for Autosomal recessive limb-girdle muscular dystrophy type 2F. Last evaluated: 2022-03-27. Review status: criteria provided, single submitter. Criteria: Invitae Variant Classification Sherloc (09022015). Collection method: clinical testing. Allele origin: germline.
Comment: This sequence change replaces proline, which is neutral and non-polar, with threonine, which is neutral and polar, at codon 196 of the SGCD protein (p.Pro196Thr). This variant is not present in population databases (gnomAD no frequency). This variant has not been reported in the literature in individuals affected with SGCD-related conditions. ClinVar contains an entry for this variant (Variation ID: 1011342). Algorithms developed to predict the effect of missense changes on protein structure and function are either unavailable or do not agree on the potential impact of this missense change (SIFT: "Deleterious"; PolyPhen-2: "Benign"; Align-GVGD: "Class C0"). In summary, the available evidence is currently insufficient to determine the role of this variant in disease. Therefore, it has been classified as a Variant of Uncertain Significance.

GeneDx
Classification: Uncertain significance. Last evaluated: 2019-07-02. Review status: criteria provided, single submitter. Criteria: GeneDx Variant Classification Process June 2021. Collection method: clinical testing. Allele origin: germline. Affected: yes.
Comment: Not observed in large population cohorts (Lek et al., 2016); In silico analysis, which includes protein predictors and evolutionary conservation, supports a deleterious effect; Has not been previously reported as pathogenic or benign to our knowledge